The following is an entry in ClinVar:

NM_014846.4(WASHC5):c.2532C>T (p.Asn844=)

Genes: WASHC5 (WASH complex subunit 5; minus strand), WASHC5-AS1 (WASHC5 antisense RNA 1; plus strand). Cytogenetic location: 8q24.13.
Variant type: single nucleotide variant.
Coding change: c.2532C>T on transcript NM_014846.4 (MANE Select); coding-DNA position 2532, C replaced by T.
Protein change: p.Asn844=; no amino-acid change (asparagine 844 retained).
Molecular consequence: synonymous variant. On other transcripts: non-coding transcript variant (1).
Genome position (GRCh38, 1-based): chr8:125,044,671, G>A on the plus strand (C>T on the coding strand, the complement: WASHC5 is on the minus strand). VCF-style: chr8-125044671-G-A. GRCh37 (hg19) VCF-style: chr8-126056913-G-A.
Other names: c.2088C>T, p.Asn696= (NM_001330609.2).
Identifiers: ClinVar variation 514052 (VCV000514052.9), dbSNP rs760598224, ClinGen allele CA4873496.

ClinVar aggregate classification (germline): Likely benign. Review status: criteria provided, multiple submitters, no conflicts (2 of 4 stars). 2 submissions from 2 submitters: Likely benign (2). Last evaluated 2023-12-18.

Conditions:
Hereditary spastic paraplegia 8 (SPG8). Also called: SPASTIC PARAPLEGIA 8, AUTOSOMAL DOMINANT. Identifiers: Orphanet 100989, MedGen C1863704, MONDO:0011339, OMIM 603563.
Ritscher-Schinzel syndrome. Also called: CRANIOCEREBELLOCARDIAC DYSPLASIA. Identifiers: Orphanet 7, MedGen C0796137, MONDO:0019078.

Allele frequency attached by ClinVar (database versions not stated): ExAC 0.00001; gnomAD exomes below 0.00001.
gnomAD v4.1: 5 of 1,614,068 alleles (0.00031%); highest among the groups gnomAD compares: Middle Eastern, 0.017%; no homozygotes.

Submissions (2):

Labcorp Genetics (formerly Invitae), Labcorp
Classification: Likely benign for Ritscher-Schinzel syndrome; Hereditary spastic paraplegia 8. Last evaluated: 2023-12-18. Review status: criteria provided, single submitter. Criteria: Invitae Variant Classification Sherloc (09022015). Collection method: clinical testing. Allele origin: germline.

GeneDx
Classification: Likely benign. Last evaluated: 2017-12-14. Review status: criteria provided, single submitter. Criteria: GeneDx Variant Classification (06012015). Collection method: clinical testing. Allele origin: germline. Affected: yes.
Comment: This variant is considered likely benign or benign based on one or more of the following criteria: it is a conservative change, it occurs at a poorly conserved position in the protein, it is predicted to be benign by multiple in silico algorithms, and/or has population frequency not consistent with disease.